The following is an entry in ClinVar:

NM_001007527.2(LMBRD2):c.2076T>G (p.Phe692Leu)

Gene: LMBRD2 (LMBR1 domain containing 2; minus strand). Cytogenetic location: 5p13.2.
Variant type: single nucleotide variant.
Coding change: c.2076T>G on transcript NM_001007527.2 (MANE Select); coding-DNA position 2076, T replaced by G.
Protein change: p.Phe692Leu; replaces phenylalanine 692 with leucine.
Molecular consequence: missense variant.
Genome position (GRCh38, 1-based): chr5:36,104,058, A>C on the plus strand (T>G on the coding strand, the complement: LMBRD2 is on the minus strand). VCF-style: chr5-36104058-A-C. GRCh37 (hg19) VCF-style: chr5-36104160-A-C.
Other names: short protein forms F692L.
Identifiers: ClinVar variation 1699215 (VCV001699215.3), dbSNP rs2111835112, ClinGen allele CA359439187.

ClinVar aggregate classification (germline): Likely benign (1 of 4 stars; one submission).

Conditions:
Developmental delay with variable neurologic and brain abnormalities (MLHNS). Also called: MALHOTRA NEURODEVELOPMENTAL SYNDROME. Identifiers: MedGen C5562060, MONDO:0859218, OMIM 619694.

Submission:

Victorian Clinical Genetics Services, Murdoch Childrens Research Institute
Classification: Likely benign for Developmental delay with variable neurologic and brain abnormalities. Last evaluated: 2022-02-02. Review status: criteria provided, single submitter. Criteria: ACMG Guidelines, 2015. Collection method: clinical testing. Allele origin: germline. Inheritance: Autosomal dominant inheritance. Affected: yes.
Comment: Based on the classification scheme VCGS_Germline_v1.3.4, this variant is classified as likely benign. Following criteria are met: 0105 - The mechanism of disease for this gene is not clearly established. However, due to the prevalence of de novo missense variants identified in patients, gain of function or dominant negative are both suggested mechanisms of disease (PMID: 32820033). (I) 0107 - This gene is associated with autosomal dominant disease (PMID: 32820033). (I) 0115 - Variants in this gene are known to have variable expressivity. Affected individuals are reported with varying severity and phenotypes, including those with the recurring variant, p.(Arg483His) (PMID: 32820033). (I) 0200 - Variant is predicted to result in a missense amino acid change from phenylalanine to leucine. (I) 0251 - This variant is heterozygous. (I) 0301 - Variant is absent from gnomAD (both v2 and v3). (SP) 0501 - Missense variant consistently predicted to be damaging by multiple in silico tools or highly conserved with a major amino acid change. (SP) 0604 - Variant is not located in an established domain, motif, hotspot or informative constraint region. (I) 0705 - No comparable missense variants have previous evidence for pathogenicity. (I) 0807 - This variant has no previous evidence of pathogenicity. (I) 0905 - No published segregation evidence has been identified for this variant. (I) 1007 - No published functional evidence has been identified for this variant. (I) Legend: (SP) - Supporting pathogenic, (I) - Information, (SB) - Supporting benign

Literature cited by the submitters: PubMed 32820033.